The following is an entry in ClinVar:

NM_194454.3(KRIT1):c.1878dup (p.Gln627fs)

Gene: KRIT1 (KRIT1 ankyrin repeat containing; minus strand). Cytogenetic location: 7q21.2.
Variant type: Duplication.
Coding change: c.1878dup on transcript NM_194454.3 (MANE Select); coding-DNA position 1878, one base duplicated (A; older notation c.1878dupA).
Protein change: p.Gln627fs; shifts the reading frame from glutamine 627.
Molecular consequence: frameshift variant.
Genome position (GRCh38, 1-based): chr7:92,213,342, T duplicated on the plus strand (A on the coding strand, the reverse complement: KRIT1 is on the minus strand). VCF-style (leftmost placement, unchanged base first): chr7-92213341-G-GT. GRCh37 (hg19) VCF-style: chr7-91842655-G-GT.
Other names: c.1734dup, p.Gln579fs (NM_001013406.2, NM_001350669.1, NM_001350670.1); c.1164dup, p.Gln389fs (NM_001350671.1); c.1878dup, p.Gln627fs (NM_001350672.1, NM_001350673.1, NM_001350674.1 and 26 more transcripts); short protein forms Q627fs, Q389fs, Q579fs.
Identifiers: ClinVar variation 4726856 (VCV004726856.1).

ClinVar aggregate classification (germline): Pathogenic (1 of 4 stars; one submission).

Conditions:
Cerebral cavernous malformation (CCM). Also called: Cerebral cavernous malformations; CAVERNOUS ANGIOMA, FAMILIAL; CAVERNOUS ANGIOMATOUS MALFORMATIONS; CEREBRAL CAPILLARY MALFORMATIONS; Cavernous Hemangioma of Brain; Cerebral cavernous hemangioma (type). Identifiers: Orphanet 221061, MedGen C2919945, MONDO:0000820, OMIM 116860, HP:0033522.

Submission:

Labcorp Genetics (formerly Invitae), Labcorp
Classification: Pathogenic for Cerebral cavernous malformation. Last evaluated: 2026-01-12. Review status: criteria provided, single submitter. Criteria: Invitae Variant Classification Sherloc (09022015). Collection method: clinical testing. Allele origin: germline.
Comment: This sequence change creates a premature translational stop signal (p.Gln627Thrfs*28) in the KRIT1 gene. It is expected to result in an absent or disrupted protein product. Loss-of-function variants in KRIT1 are known to be pathogenic (PMID: 10508515, 11222804, 12404106, 24689081). This variant is not present in population databases (gnomAD no frequency). This variant has not been reported in the literature in individuals affected with KRIT1-related conditions. For these reasons, this variant has been classified as Pathogenic.

Literature cited by the submitters: PubMed 10508515; PubMed 11222804; PubMed 12404106; PubMed 24689081.